The following is an entry in ClinVar:

NM_001001671.4(MAP3K15):c.719+9C>T

Gene: MAP3K15 (mitogen-activated protein kinase kinase kinase 15; minus strand). Cytogenetic location: Xp22.12.
Variant type: single nucleotide variant.
Coding change: c.719+9C>T on transcript NM_001001671.4 (MANE Select); 9 bases into the intron after coding-DNA position 719, C replaced by T.
Molecular consequence: intron variant.
Genome position (GRCh38, 1-based): chrX:19,464,204, G>A on the plus strand (C>T on the coding strand, the complement: MAP3K15 is on the minus strand). VCF-style: chrX-19464204-G-A. GRCh37 (hg19) VCF-style: chrX-19482322-G-A.
Identifiers: ClinVar variation 3037530 (VCV003037530.2), dbSNP rs141525900, ClinGen allele CA10364270.
Genomic context (GRCh38, chrX:19,464,204, plus strand): 5'-CGCTTCCCTGAAAGAAATGGGGACATCTTGGTGAGTCTCCAGGGGTTACTGGTGGCAGAT[G>A]GGAATTACCATGAGGTCACGTGGATGTCCTTAAGGAGGCTAATGAACCTGTCCACCAAAG-3'

ClinVar aggregate classification (germline): Benign (0 of 4 stars; one submission).

Conditions:
MAP3K15-related disorder. Also called: MAP3K15-related condition.

Allele frequency attached by ClinVar (database versions not stated): gnomAD exomes 0.00110; ExAC 0.00371; gnomAD 0.01039; 1000 Genomes Project 0.01113; TOPMed 0.01192; ESP Exome Variant Server 0.01255; 1000 Genomes Project 30x 0.01311.
gnomAD v4.1: 2,394 of 1,181,627 alleles (0.2%); highest among the groups gnomAD compares: African/African-American, 3.6%; 34 homozygotes.

Submission:

PreventionGenetics, part of Exact Sciences
Classification: Benign for MAP3K15-related condition. Last evaluated: 2024-06-11. Review status: no assertion criteria provided. Collection method: clinical testing. Allele origin: germline.
Comment: This variant is classified as benign based on ACMG/AMP sequence variant interpretation guidelines (Richards et al. 2015 PMID: 25741868, with internal and published modifications).